The following is an entry in ClinVar:

NM_000363.5(TNNI3):c.60A>C (p.Arg20Ser)

Gene: TNNI3 (troponin I3, cardiac type; minus strand). Cytogenetic location: 19q13.42.
Variant type: single nucleotide variant.
Coding change: c.60A>C on transcript NM_000363.5 (MANE Select); coding-DNA position 60, A replaced by C.
Protein change: p.Arg20Ser; replaces arginine 20 with serine.
Molecular consequence: missense variant.
Genome position (GRCh38, 1-based): chr19:55,157,098, T>G on the plus strand (A>C on the coding strand, the complement: TNNI3 is on the minus strand). VCF-style: chr19-55157098-T-G. GRCh37 (hg19) VCF-style: chr19-55668466-T-G.
Other names: short protein forms R20S.
Identifiers: ClinVar variation 2767455 (VCV002767455.3), dbSNP rs2515503781, ClinGen allele CA407443100.

ClinVar aggregate classification (germline): Uncertain significance (1 of 4 stars; one submission).

Conditions:
Hypertrophic cardiomyopathy. Also called: HYPERTROPHIC MYOCARDIOPATHY. Identifiers: Orphanet 217569, MedGen C0007194, MeSH D002312, MONDO:0005045, HP:0001639.

Submission:

Labcorp Genetics (formerly Invitae), Labcorp
Classification: Uncertain significance for Hypertrophic cardiomyopathy. Last evaluated: 2023-10-10. Review status: criteria provided, single submitter. Criteria: Invitae Variant Classification Sherloc (09022015). Collection method: clinical testing. Allele origin: germline.
Comment: This sequence change replaces arginine, which is basic and polar, with serine, which is neutral and polar, at codon 20 of the TNNI3 protein (p.Arg20Ser). This variant is not present in population databases (gnomAD no frequency). This variant has not been reported in the literature in individuals affected with TNNI3-related conditions. Experimental studies and prediction algorithms are not available or were not evaluated, and the functional significance of this variant is currently unknown. In summary, the available evidence is currently insufficient to determine the role of this variant in disease. Therefore, it has been classified as a Variant of Uncertain Significance.